The following is an entry in ClinVar:

NM_031885.5(BBS2):c.1346A>G (p.Lys449Arg)

Gene: BBS2 (Bardet-Biedl syndrome 2; minus strand). Cytogenetic location: 16q13.
Variant type: single nucleotide variant.
Coding change: c.1346A>G on transcript NM_031885.5 (MANE Select); coding-DNA position 1346, A replaced by G.
Protein change: p.Lys449Arg; replaces lysine 449 with arginine.
Molecular consequence: missense variant. On other transcripts: non-coding transcript variant (2).
Genome position (GRCh38, 1-based): chr16:56,500,905, T>C on the plus strand (A>G on the coding strand, the complement: BBS2 is on the minus strand). VCF-style: chr16-56500905-T-C. GRCh37 (hg19) VCF-style: chr16-56534817-T-C.
Other names: c.1346A>G, p.Lys449Arg (NM_001377456.1); short protein forms K449R.
Identifiers: ClinVar variation 3357579 (VCV003357579.2).

ClinVar aggregate classification (germline): Uncertain significance. Review status: criteria provided, single submitter (1 of 4 stars). 2 submissions from 2 submitters: Uncertain significance (1). 1 of the submissions does not count toward it. Last evaluated 2022-08-15.

Conditions:
BBS2-related disorder. Also called: BBS2-related condition; BBS2-related disorders. Identifiers: MedGen CN239228.

gnomAD v4.1: 3 of 1,614,052 alleles (0.00019%); highest among the groups gnomAD compares: African/African-American, 0.004%; no homozygotes.

Submissions (2):

Blueprint Genetics
Classification: Uncertain significance. Last evaluated: 2022-08-15. Review status: criteria provided, single submitter. Criteria: ACMG Guidelines, 2015. Collection method: clinical testing. Allele origin: germline.

PreventionGenetics, part of Exact Sciences
Classification: Uncertain significance for BBS2-related condition. Last evaluated: 2024-06-25. Review status: no assertion criteria provided. Collection method: clinical testing. Allele origin: germline. Not counted in ClinVar's aggregate classification.
Comment: The BBS2 c.1346A>G variant is predicted to result in the amino acid substitution p.Lys449Arg. To our knowledge, this variant has not been reported in the literature. This variant is reported in 0.0062% of alleles in individuals of African descent in gnomAD. At this time, the clinical significance of this variant is uncertain due to the absence of conclusive functional and genetic evidence.